The following is an entry in ClinVar:

NM_032043.3(BRIP1):c.661A>G (p.Thr221Ala)

Gene: BRIP1 (BRCA1 interacting DNA helicase 1; minus strand). Cytogenetic location: 17q23.2.
Variant type: single nucleotide variant.
Coding change: c.661A>G on transcript NM_032043.3 (MANE Select); coding-DNA position 661, A replaced by G.
Protein change: p.Thr221Ala; replaces threonine 221 with alanine.
Molecular consequence: missense variant.
Genome position (GRCh38, 1-based): chr17:61,808,724, T>C on the plus strand (A>G on the coding strand, the complement: BRIP1 is on the minus strand). VCF-style: chr17-61808724-T-C. GRCh37 (hg19) VCF-style: chr17-59886085-T-C.
Other names: short protein forms T221A.
Identifiers: ClinVar variation 407837 (VCV000407837.25), dbSNP rs777618772, ClinGen allele CA8690865.

ClinVar aggregate classification (germline): Conflicting classifications of pathogenicity. Review status: criteria provided, conflicting classifications (1 of 4 stars). 6 submissions from 6 submitters: Uncertain significance (5); Likely benign (1). Last evaluated 2025-11-13.

Conditions:
Familial cancer of breast. Also called: Hereditary breast cancer; hereditary breast carcinoma; BREAST CANCER, FAMILIAL. Identifiers: Orphanet 227535, MedGen C0346153, MONDO:0016419, OMIM 114480. Disease mechanism: loss of function.
Hereditary cancer-predisposing syndrome. Also called: Hereditary neoplastic syndrome; Neoplastic Syndromes, Hereditary; Tumor predisposition; Hereditary Cancer Syndrome. Identifiers: Orphanet 140162, MedGen C0027672, MeSH D009386, MONDO:0015356.
Fanconi anemia complementation group J. Also called: BRIP1-Related Fanconi Anemia. Identifiers: Orphanet 84, MedGen C1836860, MONDO:0012187, OMIM 609054.

Allele frequency attached by ClinVar (database versions not stated): gnomAD exomes below 0.00001 and 0.00001; ExAC 0.00001; gnomAD 0.00002; TOPMed 0.00002.
gnomAD v4.1: 23 of 1,613,514 alleles (0.0014%); highest among the groups gnomAD compares: African/African-American, 0.0027%; no homozygotes.

Submissions (6):

Labcorp Genetics (formerly Invitae), Labcorp
Classification: Uncertain significance for Familial cancer of breast; Fanconi anemia complementation group J. Last evaluated: 2025-11-13. Review status: criteria provided, single submitter. Criteria: Invitae Variant Classification Sherloc (09022015). Collection method: clinical testing. Allele origin: germline.
Comment: This sequence change replaces threonine, which is neutral and polar, with alanine, which is neutral and non-polar, at codon 221 of the BRIP1 protein (p.Thr221Ala). This variant is present in population databases (rs777618772, gnomAD 0.003%). This variant has not been reported in the literature in individuals affected with BRIP1-related conditions. ClinVar contains an entry for this variant (Variation ID: 407837). Invitae Evidence Modeling of protein sequence and biophysical properties (such as structural, functional, and spatial information, amino acid conservation, physicochemical variation, residue mobility, and thermodynamic stability) indicates that this missense variant is not expected to disrupt BRIP1 protein function with a negative predictive value of 95%. In summary, the available evidence is currently insufficient to determine the role of this variant in disease. Therefore, it has been classified as a Variant of Uncertain Significance.

Ambry Genetics
Classification: Likely benign for Hereditary cancer-predisposing syndrome. Last evaluated: 2024-03-21. Review status: criteria provided, single submitter. Criteria: Ambry Variant Classification Scheme 2023. Collection method: clinical testing. Allele origin: germline.

Baylor Genetics
Classification: Uncertain significance for Familial cancer of breast. Last evaluated: 2023-12-25. Review status: criteria provided, single submitter. Criteria: ACMG Guidelines, 2015. Collection method: clinical testing. Allele origin: unknown.

Color Diagnostics, LLC DBA Color Health
Classification: Uncertain significance for Hereditary cancer-predisposing syndrome. Last evaluated: 2023-02-28. Review status: criteria provided, single submitter. Criteria: ACMG Guidelines, 2015. Collection method: clinical testing. Allele origin: germline.
Comment: This missense variant replaces threonine with alanine at codon 221 of the BRIP1 protein. Computational prediction suggests that this variant may not impact protein structure and function (internally defined REVEL score threshold <= 0.5, PMID: 27666373). To our knowledge, functional studies have not been reported for this variant. This variant has not been reported in individuals affected with hereditary cancer in the literature. This variant has been identified in 1/250658 chromosomes in the general population by the Genome Aggregation Database (gnomAD). The available evidence is insufficient to determine the role of this variant in disease conclusively. Therefore, this variant is classified as a Variant of Uncertain Significance.

GeneDx
Classification: Uncertain significance. Last evaluated: 2022-10-25. Review status: criteria provided, single submitter. Criteria: GeneDx Variant Classification Process June 2021. Collection method: clinical testing. Allele origin: germline. Affected: yes.
Comment: Not observed at significant frequency in large population cohorts (gnomAD); In silico analysis supports that this missense variant does not alter protein structure/function; Has not been previously published as pathogenic or benign to our knowledge; This variant is associated with the following publications: (PMID: 27425854, 27978560)

Quest Diagnostics Nichols Institute San Juan Capistrano
Classification: Uncertain significance. Last evaluated: 2020-02-28. Review status: criteria provided, single submitter. Criteria: Quest Diagnostics criteria. Collection method: clinical testing. Allele origin: unknown.